The following is an entry in ClinVar:

NM_000059.4(BRCA2):c.9891_9894dup (p.Gln3299fs)

Gene: BRCA2 (BRCA2 DNA repair associated; plus strand). Cytogenetic location: 13q13.1.
Variant type: Duplication.
Coding change: c.9891_9894dup on transcript NM_000059.4 (MANE Select); coding-DNA positions 9891 to 9894, 4 bases duplicated (ATTT; older notation c.9891_9894dupATTT).
Protein change: p.Gln3299fs; shifts the reading frame from glutamine 3299.
Molecular consequence: frameshift variant.
Genome position (GRCh38, 1-based): chr13:32,398,404-32,398,407, ATTT duplicated. VCF-style (leftmost placement, unchanged base first): chr13-32398403-C-CATTT. GRCh37 (hg19) VCF-style: chr13-32972540-C-CATTT.
Other names: c.9891_9894dupATTT (NM_000059.3); short protein forms Q3299fs.
Identifiers: ClinVar variation 182326 (VCV000182326.25), dbSNP rs730881619, ClinGen allele CA026323.
Genomic context (GRCh38, chr13:32,398,403, plus strand): 5'-TGCCTTTACCTCCACCTGTTAGTCCCATTTGTACATTTGTTTCTCCGGCTGCACAGAAGG[C>CATTT]ATTTCAGCCACCAAGGAGTTGTGGCACCAAATACGAAACACCCATAAAGAAAAAAGAACT-3'

ClinVar aggregate classification (germline): Pathogenic. Review status: reviewed by expert panel (3 of 4 stars). 10 submissions from 9 submitters: Pathogenic (1). 9 of the submissions do not count toward it. Last evaluated 2016-09-08.

Conditions:
Hereditary cancer-predisposing syndrome. Also called: Tumor predisposition; Hereditary Cancer Syndrome; Hereditary neoplastic syndrome; Neoplastic Syndromes, Hereditary. Identifiers: Orphanet 140162, MedGen C0027672, MeSH D009386, MONDO:0015356.
Hereditary breast ovarian cancer syndrome. Also called: Breast and ovarian cancer; Hereditary breast and ovarian cancer syndrome; Hereditary breast and ovarian cancer; BRCA1- and BRCA2-Associated Hereditary Breast and Ovarian Cancer; Hereditary breast and ovarian cancer syndrome (HBOC); Hereditary breast and/or ovarian cancer syndrome. Identifiers: Orphanet 145, MedGen C0677776, MeSH D061325, MONDO:0003582. Disease mechanism: loss of function.
Fanconi anemia complementation group D1. Also called: BRCA2-Related Fanconi Anemia. Identifiers: Orphanet 319462, MedGen C1838457, MONDO:0011584, OMIM 605724.
Breast-ovarian cancer, familial, susceptibility to, 2 (BROVCA2). Also called: BRCA2 Hereditary Breast and Ovarian Cancer. Identifiers: Orphanet 145, MedGen C2675520, MONDO:0012933, OMIM 612555. Disease mechanism: loss of function.
Familial cancer of breast. Also called: BREAST CANCER, FAMILIAL; hereditary breast carcinoma; Hereditary breast cancer. Identifiers: Orphanet 227535, MedGen C0346153, MONDO:0016419, OMIM 114480. Disease mechanism: loss of function.

Allele frequency attached by ClinVar (database versions not stated): gnomAD exomes below 0.00001; ExAC 0.00001; gnomAD 0.00001; TOPMed 0.00001.

Submissions (10):

Evidence-based Network for the Interpretation of Germline Mutant Alleles (ENIGMA)
Classification: Pathogenic for Breast-ovarian cancer, familial, susceptibility to, 2. Last evaluated: 2016-09-08. Review status: reviewed by expert panel. Criteria: ENIGMA BRCA1/2 Classification Criteria (2015). Collection method: curation. Allele origin: germline.
Comment: Variant allele predicted to encode a truncated non-functional protein.

Labcorp Genetics (formerly Invitae), Labcorp
Classification: Pathogenic for Hereditary breast ovarian cancer syndrome. Last evaluated: 2025-11-05. Review status: criteria provided, single submitter. Criteria: Invitae Variant Classification Sherloc (09022015). Collection method: clinical testing. Allele origin: germline. Not counted in ClinVar's aggregate classification.
Comment: This sequence change creates a premature translational stop signal (p.Gln3299Ilefs*29) in the BRCA2 gene. While this is not anticipated to result in nonsense mediated decay, it is expected to disrupt the last 120 amino acid(s) of the BRCA2 protein. This variant is present in population databases (rs756361508, gnomAD 0.01%). This premature translational stop signal has been observed in individual(s) with BRCA2-related conditions (PMID: 21520333). ClinVar contains an entry for this variant (Variation ID: 182326). This variant disrupts a region of the BRCA2 protein in which other variant(s) (p.Tyr3308*) have been determined to be pathogenic (PMID: 17026620, 18593900, 18607349, 22711857). This suggests that this is a clinically significant region of the protein, and that variants that disrupt it are likely to be disease-causing. For these reasons, this variant has been classified as Pathogenic.

Ambry Genetics
Classification: Pathogenic for Hereditary cancer-predisposing syndrome. Last evaluated: 2024-09-24. Review status: criteria provided, single submitter. Criteria: Ambry Variant Classification Scheme 2023. Collection method: clinical testing. Allele origin: germline. Not counted in ClinVar's aggregate classification.
Comment: The c.9891_9894dupATTT (p.Q3299Ifs*29) alteration, located in exon 27 (coding exon 26) of the BRCA2 gene, consists of a duplication of ATTT at position 9891, causing a translational frameshift with a predicted alternate stop codon after 29 amino acids. This alteration occurs at the 3' terminus of theBRCA2 gene, is not expected to trigger nonsense-mediated mRNA decay, and only impacts the last 3.5% of the protein. However, premature stop codons are typically deleterious in nature, and the impacted region is critical for protein function (Ambry internal data). Based on data from gnomAD, the c.9891_9894dupATTT allele has an overall frequency of 0.001% (2/282620) total alleles studied. The highest observed frequency was 0.008% (2/24964) of African alleles. This mutation alters the last 29 amino acids of the RAD51 binding region of the native BRCA2 protein. One study previously reported the importance of this region in the interaction between BRCA2 and RAD51 proteins during recombination-mediated DNA repair function (Davies, 2007). Based on the available evidence, this alteration is classified as pathogenic.

Greenwood Genetic Center Diagnostic Laboratories, Greenwood Genetic Center
Classification: Pathogenic for Fanconi anemia complementation group D1. Last evaluated: 2023-07-13. Review status: criteria provided, single submitter. Criteria: ACMG Guidelines, 2015. Collection method: clinical testing. Allele origin: germline. Not counted in ClinVar's aggregate classification.
Comment: PVS1, PM2, PS4_supporting

GeneDx
Classification: Pathogenic. Last evaluated: 2022-12-27. Review status: criteria provided, single submitter. Criteria: GeneDx Variant Classification Process June 2021. Collection method: clinical testing. Allele origin: germline. Affected: yes. Not counted in ClinVar's aggregate classification.
Comment: Frameshift variant predicted to result in protein truncation in a gene for which loss of function is a known mechanism of disease; Observed in individuals with prostate cancer (Matejcic 2020); Truncating variants in this gene are considered pathogenic by a well-established clinical consortium and/or database; Not observed at significant frequency in large population cohorts (gnomAD); Also known as 10119_10122dup; This variant is associated with the following publications: (PMID: 9126738, 30787465, 32832836, 29922827)

Institute for Genomic Medicine (IGM) Clinical Laboratory, Nationwide Children's Hospital
Classification: Likely pathogenic for Hereditary cancer-predisposing syndrome. Last evaluated: 2022-11-01. Review status: criteria provided, single submitter. Criteria: ACMG Guidelines, 2015. Collection method: clinical testing. Allele origin: germline. Not counted in ClinVar's aggregate classification.
Comment: This variant is predicted to result in loss of function through nonsense-mediated decay of the encoded transcript or premature truncation of the encoded protein in a gene in which loss of function is a known mechanism of disease (ACMG/AMP: PVS1). This variant is absent from or present at an exceedingly low frequency in gnomAD, a large-scale control population database (ACMG/AMP: PM2).

Baylor Genetics
Classification: Likely pathogenic for Familial cancer of breast. Last evaluated: 2022-10-02. Review status: criteria provided, single submitter. Criteria: ACMG Guidelines, 2015. Collection method: clinical testing. Allele origin: unknown. Not counted in ClinVar's aggregate classification.

Genetic Services Laboratory, University of Chicago
Classification: Pathogenic. Last evaluated: 2018-12-04. Review status: criteria provided, single submitter. Criteria: ACMG Guidelines, 2015. Collection method: clinical testing. Allele origin: germline. Affected: yes. Not counted in ClinVar's aggregate classification.
Comment: DNA sequence analysis of the BRCA2 gene demonstrated a 4 base pair deletion in exon 27, c.9891_9894dup. This sequence change results in an amino acid frameshift and creates a premature stop codon 28 amino acids downstream of the mutation, p.Gln3299Ilefs*29. This pathogenic sequence change is predicted to result in the production of a truncated BRCA2 protein with potentially abnormal function. While this particular variant has not been previously reported in the literature, loss-of-function variants in BRCA2 have been described in patients with breast and/or ovarian cancer.

Quest Diagnostics Nichols Institute San Juan Capistrano
Classification: Pathogenic. Last evaluated: 2018-05-25. Review status: criteria provided, single submitter. Criteria: Quest Diagnostics criteria. Collection method: clinical testing. Allele origin: germline. Not counted in ClinVar's aggregate classification.

GeneDx
Classification: Pathogenic for Familial cancer of breast. Last evaluated: 2013-12-13. Review status: flagged submission. Criteria: GeneDx Variant Classification (06012015). Collection method: clinical testing. Allele origin: germline. Affected: yes. Not counted in ClinVar's aggregate classification.
Comment: This variant is denoted BRCA2 c.9894_9895insATTT (aka c.9891_9894dupATTT) at the cDNA level and p.Gln3299IlefsX29 (Q3299IfsX29) at the protein level. The normal sequence with the bases that are duplicated in brackets is AGGC{ATTT}CAGC. The duplication causes a frameshift, changing a Glutamine to an Isoleucine at codon 3299, and creating a premature stop codon at position 29 of the new reading frame. This mutation is predicted to cause loss of normal protein function through protein truncation. Although this mutation has not been previously reported to our knowledge, it is considered pathogenic and is indicative of Hereditary Breast and Ovarian Cancer (HBOC) syndrome, an autosomal dominant condition that predisposes to breast and ovarian cancer as well as other cancers. The predominant BRCA2-related cancer risks for women who have not been diagnosed with cancer have been estimated as 41% - 84% lifetime risk for breast cancer and 11% - 27% lifetime risk for ovarian cancer (Ford 1998, Risch 2006). BRCA2 mutations have also been reported in women with fallopian tube carcinoma, primary peritoneal carcinoma, and uterine serous carcinoma (Levine 2003, Biron-Shental 2006). Women with BRCA1/2 mutations also have an increased risk for contralateral breast cancer. Women with BRCA mutations whose first cancer was diagnosed under age 40 have a 21-31% risk to develop a second breast cancer within 10 years and a 63% risk to develop a second breast cancer within 25 years. Women with BRCA mutations whose first cancer was diagnosed between ages 40 and 50 have an 11-13% risk to develop a second breast cancer within 10 years and a 44-49% risk within 25 years. Women with BRCA mutations whose first cancer was diagnosed after age 50 have an 8% risk to develop a second breast cancer within 10 years and a 20% risk within 25 years (Graeser 2009). Other cancer risks associated with a BRCA2 mutation include up to a 7% risk for pancreatic cancer (Ozcelik 1997, The Breast Cancer Linkage Consortium 1999), up to a 34% risk for prostate cancer in male carriers (Thompson 2001), and up to a 7% risk for male breast cancer (Liede 2004). The variant is found in BRCA1-BRCA2 panel(s).
ClinVar note: Reason: This record appears to be redundant with a more recent record from the same submitter.
ClinVar note: Notes: SCV000210804 appears to be redundant with SCV002584344.

Literature cited by the submitters: PubMed 21520333 (cited by Labcorp Genetics (formerly Invitae), Labcorp); PubMed 17026620 (cited by Labcorp Genetics (formerly Invitae), Labcorp); PubMed 18593900 (cited by Labcorp Genetics (formerly Invitae), Labcorp); PubMed 18607349 (cited by Labcorp Genetics (formerly Invitae), Labcorp); PubMed 22711857 (cited by Labcorp Genetics (formerly Invitae), Labcorp); PubMed 17515903 (cited by Ambry Genetics).